The following is an entry in ClinVar:

ClinVar aggregate classification (germline): Uncertain significance (1 of 4 stars; one submission).

Conditions:
Immunodeficiency 14 (IMD14A). Also called: p110-DELTA-ACTIVATING MUTATION CAUSING SENESCENT T CELLS, LYMPHADENOPATHY, AND IMMUNODEFICIENCY; ACTIVATED PI3K-DELTA SYNDROME 1; Activated PI3K Delta Syndrome Type 1 (APDS1); IMMUNODEFICIENCY 14A WITH LYMPHOPROLIFERATION, AUTOSOMAL DOMINANT. Identifiers: Orphanet 397596, Orphanet 693661, MedGen C5907821, MONDO:0014222, OMIM 615513.

Submission:

Labcorp Genetics (formerly Invitae), Labcorp
Classification: Uncertain significance for Activated PI3K-delta syndrome. Last evaluated: 2025-09-02. Review status: criteria provided, single submitter. Criteria: Invitae Variant Classification Sherloc (09022015). Collection method: clinical testing. Allele origin: germline.
Comment: This sequence change replaces tryptophan, which is neutral and slightly polar, with cysteine, which is neutral and slightly polar, at codon 760 of the PIK3CD protein (p.Trp760Cys). This variant is not present in population databases (gnomAD no frequency). This variant has not been reported in the literature in individuals affected with PIK3CD-related conditions. Invitae Evidence Modeling of protein sequence and biophysical properties (such as structural, functional, and spatial information, amino acid conservation, physicochemical variation, residue mobility, and thermodynamic stability) indicates that this missense variant is expected to disrupt PIK3CD protein function with a positive predictive value of 80%. In summary, the available evidence is currently insufficient to determine the role of this variant in disease. Therefore, it has been classified as a Variant of Uncertain Significance.

NM_005026.5(PIK3CD):c.2280G>T (p.Trp760Cys)

Gene: PIK3CD (phosphatidylinositol-4,5-bisphosphate 3-kinase catalytic subunit delta; plus strand). Cytogenetic location: 1p36.22.
Variant type: single nucleotide variant.
Coding change: c.2280G>T on transcript NM_005026.5 (MANE Select); coding-DNA position 2280, G replaced by T.
Protein change: p.Trp760Cys; replaces tryptophan 760 with cysteine.
Molecular consequence: missense variant.
Genome position (GRCh38, 1-based): chr1:9,722,289, G>T. VCF-style: chr1-9722289-G-T. GRCh37 (hg19) VCF-style: chr1-9782347-G-T.
Other names: c.2277G>T, p.Trp759Cys (NM_001350234.2, NM_001439206.1); c.2193G>T, p.Trp731Cys (NM_001350235.1); c.2280G>T, p.Trp760Cys (NM_001437546.1); c.2136G>T, p.Trp712Cys (NM_001437547.1, NM_001438338.1); short protein forms W731C, W712C, W759C, W760C.
Identifiers: ClinVar variation 4742147 (VCV004742147.1).